The following is an entry in ClinVar:

NM_004984.4(KIF5A):c.427A>C (p.Ile143Leu)

Gene: KIF5A (kinesin family member 5A; plus strand). Cytogenetic location: 12q13.3.
Variant type: single nucleotide variant.
Coding change: c.427A>C on transcript NM_004984.4 (MANE Select); coding-DNA position 427, A replaced by C.
Protein change: p.Ile143Leu; replaces isoleucine 143 with leucine.
Molecular consequence: missense variant.
Genome position (GRCh38, 1-based): chr12:57,564,490, A>C. VCF-style: chr12-57564490-A-C. GRCh37 (hg19) VCF-style: chr12-57958273-A-C.
Other names: c.160A>C, p.Ile54Leu (NM_001354705.2); short protein forms I143L, I54L.
Identifiers: ClinVar variation 3015979 (VCV003015979.3), dbSNP rs2540494268, ClinGen allele CA385495296.

ClinVar aggregate classification (germline): Uncertain significance (1 of 4 stars; one submission).

Conditions:
Spastic paraplegia. Identifiers: MedGen C0037772, HP:0001258.

Submission:

Labcorp Genetics (formerly Invitae), Labcorp
Classification: Uncertain significance for Spastic paraplegia. Last evaluated: 2023-04-14. Review status: criteria provided, single submitter. Criteria: Invitae Variant Classification Sherloc (09022015). Collection method: clinical testing. Allele origin: germline.
Comment: This variant has not been reported in the literature in individuals affected with KIF5A-related conditions. In summary, the available evidence is currently insufficient to determine the role of this variant in disease. Therefore, it has been classified as a Variant of Uncertain Significance. Advanced modeling of protein sequence and biophysical properties (such as structural, functional, and spatial information, amino acid conservation, physicochemical variation, residue mobility, and thermodynamic stability) has been performed at Invitae for this missense variant, however the output from this modeling did not meet the statistical confidence thresholds required to predict the impact of this variant on KIF5A protein function. This variant is not present in population databases (gnomAD no frequency). This sequence change replaces isoleucine, which is neutral and non-polar, with leucine, which is neutral and non-polar, at codon 143 of the KIF5A protein (p.Ile143Leu).